The following is an entry in ClinVar:

NM_001130987.2(DYSF):c.5785-185G>A

Gene: DYSF (dysferlin; plus strand). Cytogenetic location: 2p13.2.
Variant type: single nucleotide variant.
Coding change: c.5785-185G>A on transcript NM_001130987.2 (MANE Select); 185 bases into the intron before coding-DNA position 5785, G replaced by A.
Molecular consequence: intron variant.
Genome position (GRCh38, 1-based): chr2:71,674,012, G>A. VCF-style: chr2-71674012-G-A. GRCh37 (hg19) VCF-style: chr2-71901142-G-A.
Other names: c.5761-185G>A (NM_001130979.2); c.5782-185G>A (NM_001130981.2); c.5719-185G>A (NM_001130980.2); c.5731-185G>A (NM_001130978.2); c.5668-185G>A (NM_003494.4); c.5689-185G>A (NM_001130977.2); c.5626-185G>A (NM_001130976.2); c.5764-185G>A (NM_001130982.2); and 5 more.
Identifiers: ClinVar variation 670396 (VCV000670396.1), dbSNP rs2559080, ClinGen allele CA11017572.
Genomic context (GRCh38, chr2:71,674,012, plus strand): 5'-AGAGTTGGGAGGATTAATGGAGCCATCTTATGTGAACTGAGCCTGCACGGTGCCCTTTTG[G>A]GCCCTTGAACACTGCCTTCTGGGATCTGTCCTTCCCAGTCTTCCCACAGGACCTGGCTCT-3'

ClinVar aggregate classification (germline): Benign (1 of 4 stars; one submission).

Allele frequency attached by ClinVar (database versions not stated): 1000 Genomes Project 30x 0.16349; 1000 Genomes Project 0.16414; TOPMed 0.19316; gnomAD 0.20666 and 0.20930.
gnomAD v4.1: 31,503 of 151,948 alleles (21%); highest among the groups gnomAD compares: Non-Finnish European, 25%; 3,569 homozygotes.

Submission:

GeneDx
Classification: Benign. Last evaluated: 2018-06-14. Review status: criteria provided, single submitter. Criteria: GeneDx Variant Classification (06012015). Collection method: clinical testing. Allele origin: germline. Affected: yes.
Comment: This variant is considered likely benign or benign based on one or more of the following criteria: it is a conservative change, it occurs at a poorly conserved position in the protein, it is predicted to be benign by multiple in silico algorithms, and/or has population frequency not consistent with disease.